The following is an entry in ClinVar:

ClinVar aggregate classification (germline): Uncertain significance. Review status: criteria provided, multiple submitters, no conflicts (2 of 4 stars). 3 submissions from 3 submitters: Uncertain significance (3). Last evaluated 2025-10-30.

Conditions:
Autosomal recessive limb-girdle muscular dystrophy type 2J (LGMDR10). Also called: Limb-girdle muscular dystrophy, type 2J; MUSCULAR DYSTROPHY, LIMB-GIRDLE, AUTOSOMAL RECESSIVE 10. Identifiers: Orphanet 140922, MedGen C1837342, MONDO:0012127, OMIM 608807.
Dilated cardiomyopathy 1G (CMD1G). Identifiers: Orphanet 154, MedGen C1858763, MONDO:0011400, OMIM 604145.
TTN-related disorder. Also called: TTN-related condition; TTN-related disease; TTN-related disorders.

Allele frequency attached by ClinVar (database versions not stated): gnomAD 0.00001; gnomAD exomes 0.00001; TOPMed 0.00001; ExAC 0.00002.
gnomAD v4.1: 13 of 1,612,036 alleles (0.00081%); highest among the groups gnomAD compares: Non-Finnish European, 0.0011%; no homozygotes.

Submissions (3):

Mayo Clinic Laboratories, Mayo Clinic
Classification: Uncertain significance. Last evaluated: 2025-10-30. Review status: criteria provided, single submitter. Criteria: ACMG Guidelines, 2015. Collection method: clinical testing. Allele origin: germline. Observed: 1 variant allele.

PreventionGenetics, part of Exact Sciences
Classification: Uncertain significance for TTN-related condition. Last evaluated: 2025-08-28. Review status: criteria provided, single submitter. Criteria: ACMG Guidelines, 2015. Collection method: clinical testing. Allele origin: germline.
Comment: The TTN c.34238C>G variant is predicted to result in the amino acid substitution p.Pro11413Arg. To our knowledge, this variant has not been reported in the literature. This variant is reported in 0.0027% of alleles in individuals of European (Non-Finnish) descent in gnomAD. At this time, the clinical significance of this variant is uncertain due to the absence of conclusive functional and genetic evidence.

Labcorp Genetics (formerly Invitae), Labcorp
Classification: Uncertain significance for Dilated cardiomyopathy 1G; Autosomal recessive limb-girdle muscular dystrophy type 2J. Last evaluated: 2017-03-24. Review status: criteria provided, single submitter. Criteria: Invitae Variant Classification Sherloc (09022015). Collection method: clinical testing. Allele origin: germline.

NM_001267550.2(TTN):c.34238C>G (p.Pro11413Arg)

Gene: TTN (titin; minus strand). Cytogenetic location: 2q31.2.
Variant type: single nucleotide variant.
Coding change: c.34238C>G on transcript NM_001267550.2 (MANE Select); coding-DNA position 34238, C replaced by G.
Protein change: p.Pro11413Arg; replaces proline 11413 with arginine.
Molecular consequence: missense variant. On other transcripts: intron variant (3).
Genome position (GRCh38, 1-based): chr2:178,677,674, G>C on the plus strand (C>G on the coding strand, the complement: TTN is on the minus strand). VCF-style: chr2-178677674-G-C. GRCh37 (hg19) VCF-style: chr2-179542401-G-C.
Other names: p.Pro10169Arg; c.33287C>G, p.Pro11096Arg (NM_001256850.1); c.30506C>G, p.Pro10169Arg (NM_133378.4); c.13283-35357C>G (NM_003319.4); c.13859-35357C>G (NM_133437.4); c.13658-35357C>G (NM_133432.3); short protein forms P11413R, P10169R, P11096R.
Identifiers: ClinVar variation 467035 (VCV000467035.5), dbSNP rs769658955, ClinGen allele CA1998114.
Genomic context (GRCh38, chr2:178,677,674, plus strand): 5'-GCTATACCTGGTGCAGGTACTGGCACCTTAGGTTTAACTTCTGGAAGGACTTCTTCTTCA[G>C]GTACAAATTCTTCTTCCTCAGGTACATATTCTTCTTCGGGAGGAACTTCCTCTTCCTCAG-3'
Protein context (NP_001254479.2, residues 11403-11423): EYVPEEEEFV[Pro11413Arg]EEEVLPEVKP